The following is an entry in ClinVar:

NM_001256789.3(CACNA1F):c.5117C>A (p.Thr1706Asn)

Gene: CACNA1F (calcium voltage-gated channel subunit alpha1 F; minus strand). Cytogenetic location: Xp11.23.
Variant type: single nucleotide variant.
Coding change: c.5117C>A on transcript NM_001256789.3 (MANE Select); coding-DNA position 5117, C replaced by A.
Protein change: p.Thr1706Asn; replaces threonine 1706 with asparagine.
Molecular consequence: missense variant.
Genome position (GRCh38, 1-based): chrX:49,208,521, G>T on the plus strand (C>A on the coding strand, the complement: CACNA1F is on the minus strand). VCF-style: chrX-49208521-G-T. GRCh37 (hg19) VCF-style: chrX-49064981-G-T.
Other names: c.4955C>A, p.Thr1652Asn (NM_001256790.3); c.5150C>A, p.Thr1717Asn (NM_005183.4); short protein forms T1652N, T1706N, T1717N.
Identifiers: ClinVar variation 1014523 (VCV001014523.8), dbSNP rs1557105425, ClinGen allele CA412958955.

ClinVar aggregate classification (germline): Uncertain significance (1 of 4 stars; one submission).

Allele frequency attached by ClinVar (database versions not stated): gnomAD exomes below 0.00001 and 0.00001.
gnomAD v4.1: 1 of 1,206,226 alleles (0.000083%); highest among the groups gnomAD compares: East Asian, 0.003%; no homozygotes.

Submission:

Labcorp Genetics (formerly Invitae), Labcorp
Classification: Uncertain significance. Last evaluated: 2022-08-16. Review status: criteria provided, single submitter. Criteria: Invitae Variant Classification Sherloc (09022015). Collection method: clinical testing. Allele origin: germline.
Comment: In summary, the available evidence is currently insufficient to determine the role of this variant in disease. Therefore, it has been classified as a Variant of Uncertain Significance. This sequence change replaces threonine, which is neutral and polar, with asparagine, which is neutral and polar, at codon 1717 of the CACNA1F protein (p.Thr1717Asn). The frequency data for this variant in the population databases is considered unreliable, as metrics indicate poor data quality at this position in the gnomAD database. This variant has not been reported in the literature in individuals affected with CACNA1F-related conditions. ClinVar contains an entry for this variant (Variation ID: 1014523). Algorithms developed to predict the effect of missense changes on protein structure and function (SIFT, PolyPhen-2, Align-GVGD) all suggest that this variant is likely to be tolerated.